The following is an entry in ClinVar:

NM_014232.3(VAMP2):c.183G>A (p.Ser61=)

Gene: VAMP2 (vesicle associated membrane protein 2; minus strand). Cytogenetic location: 17p13.1.
Variant type: single nucleotide variant.
Coding change: c.183G>A on transcript NM_014232.3 (MANE Select); coding-DNA position 183, G replaced by A.
Protein change: p.Ser61=; no amino-acid change (serine 61 retained).
Molecular consequence: synonymous variant.
Genome position (GRCh38, 1-based): chr17:8,161,707, C>T on the plus strand (G>A on the coding strand, the complement: VAMP2 is on the minus strand). VCF-style: chr17-8161707-C-T. GRCh37 (hg19) VCF-style: chr17-8065025-C-T.
Other names: c.189G>A, p.Ser63= (NM_001330125.1).
Identifiers: ClinVar variation 3040494 (VCV003040494.2), dbSNP rs201492595, ClinGen allele CA8370368.

ClinVar aggregate classification (germline): Likely benign (0 of 4 stars; one submission).

Conditions:
VAMP2-related disorder. Also called: VAMP2-related condition.

Allele frequency attached by ClinVar (database versions not stated): ESP Exome Variant Server 0.00008.
gnomAD v4.1: 72 of 1,614,038 alleles (0.0045%); highest among the groups gnomAD compares: African/African-American, 0.012%; no homozygotes.

Submission:

PreventionGenetics, part of Exact Sciences
Classification: Likely benign for VAMP2-related condition. Last evaluated: 2019-09-17. Review status: no assertion criteria provided. Collection method: clinical testing. Allele origin: germline.
Comment: This variant is classified as likely benign based on ACMG/AMP sequence variant interpretation guidelines (Richards et al. 2015 PMID: 25741868, with internal and published modifications).